The following is an entry in ClinVar:

ClinVar aggregate classification (germline): Likely benign (1 of 4 stars; one submission).

Allele frequency attached by ClinVar (database versions not stated): ExAC 0.00002.
gnomAD v4.1: 5 of 1,614,144 alleles (0.00031%); highest among the groups gnomAD compares: Non-Finnish European, 0.00042%; no homozygotes.

Submission:

CeGaT Center for Human Genetics Tuebingen
Classification: Likely benign. Last evaluated: 2023-03-01. Review status: criteria provided, single submitter. Criteria: CeGaT Center For Human Genetics Tuebingen Variant Classification Criteria Version 2. Collection method: clinical testing. Allele origin: germline. Affected: yes. Observed: 1 variant allele.
Comment: CYSLTR2: BP4, BP7

NM_001308476.3(CYSLTR2):c.847C>T (p.Leu283=)

Gene: CYSLTR2 (cysteinyl leukotriene receptor 2; plus strand). Cytogenetic location: 13q14.2.
Variant type: single nucleotide variant.
Coding change: c.847C>T on transcript NM_001308476.3 (MANE Select); coding-DNA position 847, C replaced by T.
Protein change: p.Leu283=; no amino-acid change (leucine 283 retained).
Molecular consequence: synonymous variant.
Genome position (GRCh38, 1-based): chr13:48,707,664, C>T. VCF-style: chr13-48707664-C-T. GRCh37 (hg19) VCF-style: chr13-49281800-C-T.
Other names: c.847C>T, p.Leu283= (NM_001308465.3, NM_001308467.3, NM_001308468.3 and 7 more transcripts).
Identifiers: ClinVar variation 2643813 (VCV002643813.24), dbSNP rs762080474, ClinGen allele CA6979611.